The following is an entry in ClinVar:

ClinVar aggregate classification (germline): Uncertain significance (1 of 4 stars; one submission).

Conditions:
Peroxisome biogenesis disorder. Identifiers: Orphanet 79189, MedGen C1832200, MONDO:0019234. Disease mechanism: loss of function.

Allele frequency attached by ClinVar (database versions not stated): gnomAD exomes below 0.00001.
gnomAD v4.1: 1 of 1,500,786 alleles (0.000067%); highest among the groups gnomAD compares: Non-Finnish European, 0.000088%; no homozygotes.

Submission:

Labcorp Genetics (formerly Invitae), Labcorp
Classification: Uncertain significance for Peroxisome biogenesis disorder. Last evaluated: 2024-10-30. Review status: criteria provided, single submitter. Criteria: Invitae Variant Classification Sherloc (09022015). Collection method: clinical testing. Allele origin: germline.
Comment: This sequence change replaces aspartic acid, which is acidic and polar, with asparagine, which is neutral and polar, at codon 61 of the PEX6 protein (p.Asp61Asn). This variant is not present in population databases (gnomAD no frequency). This variant has not been reported in the literature in individuals affected with PEX6-related conditions. ClinVar contains an entry for this variant (Variation ID: 1986953). An algorithm developed to predict the effect of missense changes on protein structure and function (PolyPhen-2) suggests that this variant is likely to be tolerated. In summary, the available evidence is currently insufficient to determine the role of this variant in disease. Therefore, it has been classified as a Variant of Uncertain Significance.

NM_000287.4(PEX6):c.181G>A (p.Asp61Asn)

Gene: PEX6 (peroxisomal biogenesis factor 6; minus strand). Cytogenetic location: 6p21.1.
Variant type: single nucleotide variant.
Coding change: c.181G>A on transcript NM_000287.4 (MANE Select); coding-DNA position 181, G replaced by A.
Protein change: p.Asp61Asn; replaces aspartic acid 61 with asparagine.
Molecular consequence: missense variant. On other transcripts: non-coding transcript variant (1).
Genome position (GRCh38, 1-based): chr6:42,978,970, C>T on the plus strand (G>A on the coding strand, the complement: PEX6 is on the minus strand). VCF-style: chr6-42978970-C-T. GRCh37 (hg19) VCF-style: chr6-42946708-C-T.
Other names: c.181G>A, p.Asp61Asn (NM_001316313.2); short protein forms D61N.
Identifiers: ClinVar variation 1986953 (VCV001986953.3), dbSNP rs2481282705, ClinGen allele CA364168444.
Genomic context (GRCh38, chr6:42,978,970, plus strand): 5'-GCAGCGCGCGGCTAACCAGTAGCTGCGGCGGCCCGGGACCCTGCTCTTCGGTGCCCGCGT[C>T]CGGCCCCTCCAGGGCTGCCACCAGCAGCGCCGGCCCTGCCGGGCTCTCCCCTGCAGGCCT-3'
Protein context (NP_000278.3, residues 51-71): ALLVAALEGP[Asp61Asn]AGTEEQGPGP